The following is an entry in ClinVar:

NM_004006.3(DMD):c.7018C>A (p.Leu2340Met)

Gene: DMD (dystrophin; minus strand). Cytogenetic location: Xp21.1.
Variant type: single nucleotide variant.
Coding change: c.7018C>A on transcript NM_004006.3 (MANE Select); coding-DNA position 7018, C replaced by A.
Protein change: p.Leu2340Met; replaces leucine 2340 with methionine.
Molecular consequence: missense variant. On other transcripts: 5 prime UTR variant (5).
Genome position (GRCh38, 1-based): chrX:31,875,268, G>T on the plus strand (C>A on the coding strand, the complement: DMD is on the minus strand). VCF-style: chrX-31875268-G-T. GRCh37 (hg19) VCF-style: chrX-31893385-G-T.
Other names: c.6994C>A, p.Leu2332Met (NM_000109.4); c.7006C>A, p.Leu2336Met (NM_004009.3); c.6649C>A, p.Leu2217Met (NM_004010.3); c.2995C>A, p.Leu999Met (NM_004011.4); c.2986C>A, p.Leu996Met (NM_004012.4); c.-363C>A (NM_004013.3, NM_004020.4, NM_004021.3 and 2 more transcripts); short protein forms L2332M, L2336M, L2340M, L996M, L2217M, L999M.
Identifiers: ClinVar variation 1489018 (VCV001489018.7), dbSNP rs1189846429, ClinGen allele CA412660035.

ClinVar aggregate classification (germline): Uncertain significance (1 of 4 stars; one submission).

Conditions:
Duchenne muscular dystrophy (DMD). Also called: Duchenne Muscular Dystrophy (DMD); MUSCULAR DYSTROPHY, PSEUDOHYPERTROPHIC PROGRESSIVE, DUCHENNE TYPE. Identifiers: Orphanet 98896, MedGen C0013264, MONDO:0010679, OMIM 310200.

Allele frequency attached by ClinVar (database versions not stated): gnomAD 0.00001; gnomAD exomes 0.00001.
gnomAD v4.1: 2 of 1,155,018 alleles (0.00017%); highest among the groups gnomAD compares: African/African-American, 0.0018%; no homozygotes.

Submission:

Labcorp Genetics (formerly Invitae), Labcorp
Classification: Uncertain significance for Duchenne muscular dystrophy. Last evaluated: 2024-11-18. Review status: criteria provided, single submitter. Criteria: Invitae Variant Classification Sherloc (09022015). Collection method: clinical testing. Allele origin: germline.
Comment: This sequence change replaces leucine, which is neutral and non-polar, with methionine, which is neutral and non-polar, at codon 2340 of the DMD protein (p.Leu2340Met). This variant is present in population databases (no rsID available, gnomAD 0.001%). This missense change has been observed in individual(s) with DMD-related conditions (PMID: 21520333). ClinVar contains an entry for this variant (Variation ID: 1489018). Invitae Evidence Modeling of protein sequence and biophysical properties (such as structural, functional, and spatial information, amino acid conservation, physicochemical variation, residue mobility, and thermodynamic stability) indicates that this missense variant is not expected to disrupt DMD protein function with a negative predictive value of 95%. In summary, the available evidence is currently insufficient to determine the role of this variant in disease. Therefore, it has been classified as a Variant of Uncertain Significance.

Literature cited by the submitters: PubMed 21520333.